The following is an entry in ClinVar:

NM_012463.4(ATP6V0A2):c.731+6A>G

Gene: ATP6V0A2 (ATPase H+ transporting V0 subunit a2; plus strand). Cytogenetic location: 12q24.31.
Variant type: single nucleotide variant.
Coding change: c.731+6A>G on transcript NM_012463.4 (MANE Select); 6 bases into the intron after coding-DNA position 731, A replaced by G.
Molecular consequence: intron variant.
Genome position (GRCh38, 1-based): chr12:123,734,014, A>G. VCF-style: chr12-123734014-A-G. GRCh37 (hg19) VCF-style: chr12-124218561-A-G.
Identifiers: ClinVar variation 2020376 (VCV002020376.4), dbSNP rs766720320, ClinGen allele CA6861705.

ClinVar aggregate classification (germline): Uncertain significance (1 of 4 stars; one submission).

Conditions:
ALG9 congenital disorder of glycosylation (CDG1L). Also called: CDG Il; CONGENITAL DISORDER OF GLYCOSYLATION, TYPE Il; ALG9-CDG. Identifiers: Orphanet 79328, MedGen C2931006, MONDO:0012117, OMIM 608776.

Allele frequency attached by ClinVar (database versions not stated): gnomAD exomes below 0.00001; ExAC 0.00002.

Submission:

Labcorp Genetics (formerly Invitae), Labcorp
Classification: Uncertain significance for ALG9 congenital disorder of glycosylation. Last evaluated: 2024-02-17. Review status: criteria provided, single submitter. Criteria: Invitae Variant Classification Sherloc (09022015). Collection method: clinical testing. Allele origin: germline.
Comment: This sequence change falls in intron 7 of the ATP6V0A2 gene. It does not directly change the encoded amino acid sequence of the ATP6V0A2 protein. It affects a nucleotide within the consensus splice site. This variant is present in population databases (rs766720320, gnomAD 0.002%). This variant has not been reported in the literature in individuals affected with ATP6V0A2-related conditions. ClinVar contains an entry for this variant (Variation ID: 2020376). Variants that disrupt the consensus splice site are a relatively common cause of aberrant splicing (PMID: 17576681, 9536098). Algorithms developed to predict the effect of sequence changes on RNA splicing suggest that this variant is not likely to affect RNA splicing. In summary, the available evidence is currently insufficient to determine the role of this variant in disease. Therefore, it has been classified as a Variant of Uncertain Significance.

Literature cited by the submitters: PubMed 17576681; PubMed 9536098.